The following is an entry in ClinVar:

NM_001330078.2(NRXN1):c.175A>T (p.Lys59Ter)

Gene: NRXN1 (neurexin 1; minus strand). Cytogenetic location: 2p16.3.
Variant type: single nucleotide variant.
Coding change: c.175A>T on transcript NM_001330078.2 (MANE Select); coding-DNA position 175, A replaced by T.
Protein change: p.Lys59Ter; replaces lysine 59 with a stop codon.
Molecular consequence: nonsense.
Genome position (GRCh38, 1-based): chr2:51,028,099, T>A on the plus strand (A>T on the coding strand, the complement: NRXN1 is on the minus strand). VCF-style: chr2-51028099-T-A. GRCh37 (hg19) VCF-style: chr2-51255237-T-A.
Other names: c.175A>T, p.Lys59Ter (NM_001135659.3, NM_001330077.2, NM_001330079.2 and 15 more transcripts); short protein forms K59*.
Identifiers: ClinVar variation 3340627 (VCV003340627.2).
Genomic context (GRCh38, chr2:51,028,099, plus strand): 5'-GGAAGTCGCAGAAGCCCTCGTCGTCGAAGTAGAGCACGAGGCCGCGGGCGCTGCGAGTCT[T>A]GAGCTGGAAGCTCATCTCGCTCTCGCAGCAGGCGTTCCACTTGGGGAAGCGCGTCCATTG-3'

ClinVar aggregate classification (germline): Likely pathogenic (1 of 4 stars; one submission).

Submission:

GeneDx
Classification: Likely pathogenic. Last evaluated: 2025-02-06. Review status: criteria provided, single submitter. Criteria: GeneDx Variant Classification Process June 2021. Collection method: clinical testing. Allele origin: germline.
Comment: Nonsense variant predicted to result in protein truncation or nonsense mediated decay in a gene for which loss of function is a known mechanism of disease; Not observed at significant frequency in large population cohorts (gnomAD); Has not been previously published as pathogenic or benign to our knowledge